The following is an entry in ClinVar:

ClinVar aggregate classification (germline): Uncertain significance (1 of 4 stars; one submission).

Conditions:
Hereditary cancer-predisposing syndrome. Also called: Neoplastic Syndromes, Hereditary; Tumor predisposition; Hereditary neoplastic syndrome; Hereditary Cancer Syndrome. Identifiers: Orphanet 140162, MedGen C0027672, MeSH D009386, MONDO:0015356.

Submission:

Ambry Genetics
Classification: Uncertain significance for Hereditary cancer-predisposing syndrome. Last evaluated: 2019-10-14. Review status: criteria provided, single submitter. Criteria: Ambry Variant Classification Scheme 2023. Collection method: clinical testing. Allele origin: germline.
Comment: The p.D1758H variant (also known as c.5272G>C), located in coding exon 34 of the ATM gene, results from a G to C substitution at nucleotide position 5272. The aspartic acid at codon 1758 is replaced by histidine, an amino acid with similar properties. This amino acid position is highly conserved in available vertebrate species. In addition, the in silico prediction for this alteration is inconclusive. Since supporting evidence is limited at this time, the clinical significance of this alteration remains unclear.

NM_000051.4(ATM):c.5272G>C (p.Asp1758His)

Gene: ATM (ATM serine/threonine kinase; plus strand). Cytogenetic location: 11q22.3.
Variant type: single nucleotide variant.
Coding change: c.5272G>C on transcript NM_000051.4 (MANE Select); coding-DNA position 5272, G replaced by C.
Protein change: p.Asp1758His; replaces aspartic acid 1758 with histidine.
Molecular consequence: missense variant.
Genome position (GRCh38, 1-based): chr11:108,301,742, G>C. VCF-style: chr11-108301742-G-C. GRCh37 (hg19) VCF-style: chr11-108172469-G-C.
Other names: c.5272G>C, p.Asp1758His (NM_001351834.2); short protein forms D1758H.
Identifiers: ClinVar variation 825608 (VCV000825608.4), dbSNP rs1591708951, ClinGen allele CA382542594.
Genomic context (GRCh38, chr11:108,301,742, plus strand): 5'-AAAAACATTTTAGCCACAAAGACTGGACATAGTTTCTGGGAGATTTATAAGATGACAACA[G>C]ATCCAATGCTGGCCTATCTACAGCCTTTTAGAACATCAAGAAAAAAGGTCTCTTAAGTAA-3'
Protein context (NP_000042.3, residues 1748-1768): SFWEIYKMTT[Asp1758His]PMLAYLQPFR